The following is an entry in ClinVar:

ClinVar aggregate classification (germline): Uncertain significance (1 of 4 stars; one submission).

Submission:

Labcorp Genetics (formerly Invitae), Labcorp
Classification: Uncertain significance. Last evaluated: 2022-06-21. Review status: criteria provided, single submitter. Criteria: Invitae Variant Classification Sherloc (09022015). Collection method: clinical testing. Allele origin: germline.
Comment: A copy number gain of the genomic region encompassing the full coding sequence of the USP9X gene has been identified. The boundaries of this event are unknown as they extend beyond the assayed region for this gene and therefore may encompass additional genes. As the precise location of this event is unknown, it may be in tandem or it may be located elsewhere in the genome. Isolated whole-gene copy number gains of USP9X have not been reported in the literature. However, larger copy number events that include this gene have been reported (PMID: 23354975). Experimental studies and prediction algorithms are not available or were not evaluated, and the functional significance of this variant is currently unknown. In summary, the available evidence is currently insufficient to determine the role of this variant in disease. Therefore, it has been classified as a Variant of Uncertain Significance.

Literature cited by the submitters: PubMed 23354975.

NC_000023.10:g.(?_40440318)_(41782241_?)dup

Genes: ATP6AP2 (ATPase H+ transporting accessory protein 2; plus strand), CASK (calcium/calmodulin dependent serine protein kinase; minus strand), CXorf38 (chromosome X open reading frame 38; minus strand), DDX3X (DEAD-box helicase 3 X-linked; plus strand), GPR34 (G protein-coupled receptor 34; plus strand) and 5 more. Cytogenetic location: Xp11.4.
Variant type: Duplication.
Identifiers: ClinVar variation 2423545 (VCV002423545.3).